The following is an entry in ClinVar:

ClinVar aggregate classification (germline): Likely benign (1 of 4 stars; one submission).

Conditions:
EP400-related disorder. Also called: EP400-related condition.

Submission:

PreventionGenetics, part of Exact Sciences
Classification: Likely benign for EP400-related condition. Last evaluated: 2024-10-11. Review status: criteria provided, single submitter. Criteria: ACMG Guidelines, 2015. Collection method: clinical testing. Allele origin: germline.
Comment: This variant is classified as likely benign based on ACMG/AMP sequence variant interpretation guidelines (Richards et al. 2015 PMID: 25741868, with internal and published modifications).

NM_015409.5(EP400):c.8178_8216del (p.Gln2736_Gln2748del)

Gene: EP400 (E1A binding protein p400; plus strand). Cytogenetic location: 12q24.33.
Variant type: Deletion.
Coding change: c.8178_8216del on transcript NM_015409.5 (MANE Select); coding-DNA positions 8178 to 8216, 39 bases deleted.
Protein change: p.Gln2736_Gln2748del.
Molecular consequence: inframe deletion.
Genome position (GRCh38, 1-based): chr12:132,062,545-132,062,583, 39 bases deleted; deleting any 39 consecutive bases within chr12:132,062,524-132,062,583 gives the same sequence; the c. name uses the placement nearest the transcript's 3' end. GRCh37 (hg19): chr12:132,547,090-132,547,128.
Identifiers: ClinVar variation 4999474 (VCV004999474.1).
Genomic context (GRCh38, chr12:132,062,523, plus strand): 5'-TAGCCACAGGAGTTCAGCTCCCTGGAAAAACCATCACACCTGCACATTTCCAGCTTCTCA[GGCAGCAGCAGCAGCAGCAGCAACAACAGCAGCAGCAGCA>G]GCAGCAGCAGCAGCAGCAGCAGCAGCAGCAACAGCAGCAGCAGCAACAGACGACGACGAC-3'